The following is an entry in ClinVar:

ClinVar aggregate classification (germline): Uncertain significance (1 of 4 stars; one submission).

Allele frequency attached by ClinVar (database versions not stated): gnomAD exomes below 0.00001; TOPMed below 0.00001.
gnomAD v4.1: 4 of 1,613,828 alleles (0.00025%); highest among the groups gnomAD compares: Non-Finnish European, 0.00025%; no homozygotes.

Submission:

Labcorp Genetics (formerly Invitae), Labcorp
Classification: Uncertain significance. Last evaluated: 2022-03-04. Review status: criteria provided, single submitter. Criteria: Invitae Variant Classification Sherloc (09022015). Collection method: clinical testing. Allele origin: germline.
Comment: Algorithms developed to predict the effect of missense changes on protein structure and function (SIFT, PolyPhen-2, Align-GVGD) all suggest that this variant is likely to be tolerated. In summary, the available evidence is currently insufficient to determine the role of this variant in disease. Therefore, it has been classified as a Variant of Uncertain Significance. This variant has not been reported in the literature in individuals affected with SLC4A1-related conditions. This variant is not present in population databases (gnomAD no frequency). This sequence change replaces glutamine, which is neutral and polar, with leucine, which is neutral and non-polar, at codon 239 of the SLC4A1 protein (p.Gln239Leu).

NM_000342.4(SLC4A1):c.716A>T (p.Gln239Leu)

Gene: SLC4A1 (solute carrier family 4 member 1 (Diego blood group); minus strand). Cytogenetic location: 17q21.31.
Variant type: single nucleotide variant.
Coding change: c.716A>T on transcript NM_000342.4 (MANE Select); coding-DNA position 716, A replaced by T.
Protein change: p.Gln239Leu; replaces glutamine 239 with leucine.
Molecular consequence: missense variant.
Genome position (GRCh38, 1-based): chr17:44,259,323, T>A on the plus strand (A>T on the coding strand, the complement: SLC4A1 is on the minus strand). VCF-style: chr17-44259323-T-A. GRCh37 (hg19) VCF-style: chr17-42336691-T-A.
Other names: short protein forms Q239L.
Identifiers: ClinVar variation 1931866 (VCV001931866.5), dbSNP rs879026462, ClinGen allele CA290932959.
Genomic context (GRCh38, chr17:44,259,323, plus strand): 5'-GGCAGCTCCACCGCCTCCAGCTCCGCTGCCTCCTGCAGCCTCACGAAGCCCAGCACCGGC[T>A]GCTCCAGGAAGTCGGCGCGGCCTGTTAGGGGATGAGAAGATCAGGCCAGGCCGAGGAGCC-3'
Protein context (NP_000333.1, residues 229-249): VLVGRADFLE[Gln239Leu]PVLGFVRLQE